The following is an entry in ClinVar:

NM_032242.4(PLXNA1):c.4752G>T (p.Leu1584=)

Gene: PLXNA1 (plexin A1; plus strand). Cytogenetic location: 3q21.3.
Variant type: single nucleotide variant.
Coding change: c.4752G>T on transcript NM_032242.4 (MANE Select); coding-DNA position 4752, G replaced by T.
Protein change: p.Leu1584=; no amino-acid change (leucine 1584 retained).
Molecular consequence: synonymous variant.
Genome position (GRCh38, 1-based): chr3:127,029,075, G>T. VCF-style: chr3-127029075-G-T. GRCh37 (hg19) VCF-style: chr3-126747918-G-T.
Identifiers: ClinVar variation 4989948 (VCV004989948.1).

ClinVar aggregate classification (germline): Likely benign (1 of 4 stars; one submission).

Conditions:
PLXNA1-related disorder. Also called: PLXNA1-related condition.

Submission:

PreventionGenetics, part of Exact Sciences
Classification: Likely benign for PLXNA1-related condition. Last evaluated: 2025-11-12. Review status: criteria provided, single submitter. Criteria: ACMG Guidelines, 2015. Collection method: clinical testing. Allele origin: germline.
Comment: This variant is classified as likely benign based on ACMG/AMP sequence variant interpretation guidelines (Richards et al. 2015 PMID: 25741868, with internal and published modifications).